The following is an entry in ClinVar:

NM_023110.3(FGFR1):c.2037C>T (p.His679=)

Gene: FGFR1 (fibroblast growth factor receptor 1; minus strand). Cytogenetic location: 8p11.23.
Variant type: single nucleotide variant.
Coding change: c.2037C>T on transcript NM_023110.3 (MANE Select); coding-DNA position 2037, C replaced by T.
Protein change: p.His679=; no amino-acid change (histidine 679 retained).
Molecular consequence: synonymous variant.
Genome position (GRCh38, 1-based): chr8:38,414,570, G>A on the plus strand (C>T on the coding strand, the complement: FGFR1 is on the minus strand). VCF-style: chr8-38414570-G-A. GRCh37 (hg19) VCF-style: chr8-38272088-G-A.
Other names: c.2037C>T, p.His679= (NM_000604.2); c.2031C>T, p.His677= (NM_001174063.2, NM_001174065.2, NM_001354367.2 and 1 more transcripts); c.2007C>T, p.His669= (NM_001174064.2); c.1770C>T, p.His590= (NM_001174066.2, NM_023105.3); c.2130C>T, p.His710= (NM_001174067.2); c.1758C>T, p.His586= (NM_001354368.2); c.2025C>T, p.His675= (NM_001354369.2, NM_001410922.1); c.1764C>T, p.His588= (NM_001354370.2, NM_023106.3).
Identifiers: ClinVar variation 3044813 (VCV003044813.2), dbSNP rs1162682495, ClinGen allele CA460395061.

ClinVar aggregate classification (germline): Likely benign (0 of 4 stars; one submission).

Conditions:
FGFR1-related disorder. Also called: FGFR1-related disorders; FGFR1-related condition. Identifiers: MedGen CN380097.

Allele frequency attached by ClinVar (database versions not stated): gnomAD exomes below 0.00001.
gnomAD v4.1: 1 of 1,614,048 alleles (0.000062%); highest among the groups gnomAD compares: Non-Finnish European, 0.000085%; no homozygotes.

Submission:

PreventionGenetics, part of Exact Sciences
Classification: Likely benign for FGFR1-related condition. Last evaluated: 2023-07-06. Review status: no assertion criteria provided. Collection method: clinical testing. Allele origin: germline.
Comment: This variant is classified as likely benign based on ACMG/AMP sequence variant interpretation guidelines (Richards et al. 2015 PMID: 25741868, with internal and published modifications).